The following is an entry in ClinVar:

NM_032043.3(BRIP1):c.2830del (p.Gln944fs)

Gene: BRIP1 (BRCA1 interacting DNA helicase 1; minus strand). Cytogenetic location: 17q23.2.
Variant type: Deletion.
Coding change: c.2830del on transcript NM_032043.3 (MANE Select); coding-DNA position 2830, one base deleted (C; older notation c.2830delC).
Protein change: p.Gln944fs; shifts the reading frame from glutamine 944.
Molecular consequence: frameshift variant.
Genome position (GRCh38, 1-based): chr17:61,685,911, G deleted on the plus strand (C on the coding strand, the reverse complement: BRIP1 is on the minus strand); the first of 2 consecutive G bases (chr17:61,685,911-61,685,912); deleting either gives the same sequence. VCF-style (leftmost placement, unchanged base first): chr17-61685910-TG-T. GRCh37 (hg19) VCF-style: chr17-59763271-TG-T.
Other names: short protein forms Q944fs.
Identifiers: ClinVar variation 929530 (VCV000929530.19), dbSNP rs2061353736, ClinGen allele CA1139665746.

ClinVar aggregate classification (germline): Pathogenic. Review status: no assertion criteria provided (0 of 4 stars). 2 submissions from 2 submitters: Pathogenic (2). Last evaluated 2021-07-01.

Conditions:
Gastric cancer. Also called: Stomach cancer; Malignant tumor of stomach. Identifiers: MedGen C0024623, MeSH D013274, MONDO:0001056, OMIM 613659, HP:0012126.

Submissions (2):

Laboratory for Genotyping Development, RIKEN
Classification: Pathogenic for Gastric cancer. Last evaluated: 2021-07-01. Review status: no assertion criteria provided. Collection method: research. Allele origin: germline.

Leiden Open Variation Database
Classification: Pathogenic. Last evaluated: 2019-08-13. Review status: no assertion criteria provided. Collection method: curation. Allele origin: germline. Affected: yes.
Comment: Curator: Arleen D. Auerbach. Submitter to LOVD: Yukihide Momozawa.

Literature cited by the submitters: PubMed 36988593 (cited by Laboratory for Genotyping Development, RIKEN); PubMed 31214711 (cited by Leiden Open Variation Database).